The following is an entry in ClinVar:

ClinVar aggregate classification (germline): Benign (1 of 4 stars; one submission).

Conditions:
Melanoma-pancreatic cancer syndrome. Identifiers: Orphanet 404560, MedGen C1838547, MONDO:0011713, OMIM 606719. Disease mechanism: loss of function.

gnomAD v4.1: 1 of 1,613,458 alleles (0.000062%); highest among the groups gnomAD compares: Non-Finnish European, 0.000085%; no homozygotes.

Submission:

Myriad Genetics, Inc.
Classification: Benign for Melanoma-pancreatic cancer syndrome. Last evaluated: 2025-08-18. Review status: criteria provided, single submitter. Criteria: Myriad Autosomal Dominant, Autosomal Recessive and X-Linked Classification Criteria (2023). Collection method: clinical testing. Allele origin: unknown.
Comment: This variant is considered benign. This variant is intronic and is not expected to impact mRNA splicing.

NM_000077.5(CDKN2A):c.458-26G>C

Gene: CDKN2A (cyclin dependent kinase inhibitor 2A; minus strand). Cytogenetic location: 9p21.3.
Variant type: single nucleotide variant.
Coding change: c.458-26G>C on transcript NM_000077.5 (MANE Select); 26 bases into the intron before coding-DNA position 458, G replaced by C.
Molecular consequence: intron variant.
Genome position (GRCh38, 1-based): chr9:21,968,268, C>G on the plus strand (G>C on the coding strand, the complement: CDKN2A is on the minus strand). VCF-style: chr9-21968268-C-G. GRCh37 (hg19) VCF-style: chr9-21968267-C-G.
Other names: c.305-26G>C (NM_001363763.2); c.*102-26G>C (NM_058195.4); c.*151-26G>C (NM_001195132.2); c.*381-26G>C (NM_058197.5).
Identifiers: ClinVar variation 4294161 (VCV004294161.1).